The following is an entry in ClinVar:

NM_032620.4(GTPBP3):c.215C>T (p.Pro72Leu)

Gene: GTPBP3 (GTP binding protein 3, mitochondrial; plus strand). Cytogenetic location: 19p13.11.
Variant type: single nucleotide variant.
Coding change: c.215C>T on transcript NM_032620.4 (MANE Select); coding-DNA position 215, C replaced by T.
Protein change: p.Pro72Leu; replaces proline 72 with leucine.
Molecular consequence: missense variant.
Genome position (GRCh38, 1-based): chr19:17,338,169, C>T. VCF-style: chr19-17338169-C-T. GRCh37 (hg19) VCF-style: chr19-17448978-C-T.
Other names: c.215C>T, p.Pro72Leu (NM_133644.4, NM_001128855.3); c.281C>T, p.Pro94Leu (NM_001195422.1); short protein forms P94L, P72L.
Identifiers: ClinVar variation 693995 (VCV000693995.4), dbSNP rs542667981, ClinGen allele CA9293263.

ClinVar aggregate classification (germline): Uncertain significance. Review status: criteria provided, multiple submitters, no conflicts (2 of 4 stars). 2 submissions from 2 submitters: Uncertain significance (2). Last evaluated 2021-08-02.

Conditions:
Combined oxidative phosphorylation defect type 23. Also called: Combined oxidative phosphorylation deficiency 23. Identifiers: Orphanet 444013, MedGen C5567743, MONDO:0014525, OMIM 616198.

Allele frequency attached by ClinVar (database versions not stated): TOPMed 0.00001; gnomAD 0.00002; 1000 Genomes Project 30x 0.00031; 1000 Genomes Project 0.00040.
gnomAD v4.1: 8 of 1,592,852 alleles (0.0005%); highest among the groups gnomAD compares: African/African-American, 0.0094%; no homozygotes.

Submissions (2):

Labcorp Genetics (formerly Invitae), Labcorp
Classification: Uncertain significance. Last evaluated: 2021-08-02. Review status: criteria provided, single submitter. Criteria: Invitae Variant Classification Sherloc (09022015). Collection method: clinical testing. Allele origin: germline.
Comment: This sequence change replaces proline with leucine at codon 72 of the GTPBP3 protein (p.Pro72Leu). The proline residue is highly conserved and there is a moderate physicochemical difference between proline and leucine. This variant is present in population databases (rs542667981, ExAC 0.02%). This variant has not been reported in the literature in individuals affected with GTPBP3-related conditions. ClinVar contains an entry for this variant (Variation ID: 693995). Algorithms developed to predict the effect of missense changes on protein structure and function (SIFT, PolyPhen-2, Align-GVGD) all suggest that this variant is likely to be tolerated. In summary, the available evidence is currently insufficient to determine the role of this variant in disease. Therefore, it has been classified as a Variant of Uncertain Significance.

Johns Hopkins Genomics, Johns Hopkins University
Classification: Uncertain significance for Combined oxidative phosphorylation defect type 23. Last evaluated: 2019-08-30. Review status: criteria provided, single submitter. Criteria: ACMG Guidelines, 2015. Collection method: clinical testing. Allele origin: germline.